The following is an entry in ClinVar:

ClinVar aggregate classification (germline): Likely benign (1 of 4 stars; one submission).

Allele frequency attached by ClinVar (database versions not stated): gnomAD exomes 0.00001.
gnomAD v4.1: 13 of 1,529,690 alleles (0.00085%); highest among the groups gnomAD compares: Non-Finnish European, 0.0011%; no homozygotes.

Submission:

GeneDx
Classification: Likely benign. Last evaluated: 2018-01-25. Review status: criteria provided, single submitter. Criteria: GeneDx Variant Classification (06012015). Collection method: clinical testing. Allele origin: germline. Affected: yes.
Comment: This variant is considered likely benign or benign based on one or more of the following criteria: it is a conservative change, it occurs at a poorly conserved position in the protein, it is predicted to be benign by multiple in silico algorithms, and/or has population frequency not consistent with disease.

NM_175875.5(SIX5):c.28G>A (p.Ala10Thr)

Genes: SIX5 (SIX homeobox 5; minus strand), DM1-AS (DM1 locus antisense RNA; plus strand), LOC107075317 (origin of replication in DMPK trinucleotide repeat region; plus strand). Cytogenetic location: 19q13.32.
Variant type: single nucleotide variant.
Coding change: c.28G>A on transcript NM_175875.5 (MANE Select); coding-DNA position 28, G replaced by A.
Protein change: p.Ala10Thr; replaces alanine 10 with threonine.
Molecular consequence: missense variant.
Genome position (GRCh38, 1-based): chr19:45,768,817, C>T on the plus strand (G>A on the coding strand, the complement: SIX5 is on the minus strand). VCF-style: chr19-45768817-C-T. GRCh37 (hg19) VCF-style: chr19-46272075-C-T.
Other names: short protein forms A10T.
Identifiers: ClinVar variation 676044 (VCV000676044.1), dbSNP rs1600401760, ClinGen allele CA406424895.
Genomic context (GRCh38, chr19:45,768,817, plus strand): 5'-CCTCCTCCTCTTCGGTCGCCGCCGCCGCCGCCACCGCCTCCCCCCCAGCCGCCGGCCCCG[C>T]GCTCGGCTCCGCAGGCAAGGTAGCCATGTTTTGCAACTTTGGGAAGTTCCTCCCTCCCTC-3'
Protein context (NP_787071.3, residues 1-20): MATLPAEPS[Ala10Thr]GPAAGGEAVA